The following is an entry in ClinVar:

ClinVar aggregate classification (germline): Likely pathogenic (1 of 4 stars; one submission).

Conditions:
Familial cancer of breast. Also called: BREAST CANCER, FAMILIAL; Hereditary breast cancer; hereditary breast carcinoma. Identifiers: Orphanet 227535, MedGen C0346153, MONDO:0016419, OMIM 114480. Disease mechanism: loss of function.

Submission:

Labcorp Genetics (formerly Invitae), Labcorp
Classification: Likely pathogenic for Familial cancer of breast. Last evaluated: 2019-01-13. Review status: criteria provided, single submitter. Criteria: Invitae Variant Classification Sherloc (09022015). Collection method: clinical testing. Allele origin: germline.
Comment: In summary, the currently available evidence indicates that the variant is pathogenic, but additional data are needed to prove that conclusively. Therefore, this variant has been classified as Likely Pathogenic. Loss-of-function variants in PALB2 are known to be pathogenic (PMID: 17200668, 24136930, 25099575). This variant has not been reported in the literature in individuals with PALB2-related conditions. This variant results in a copy number gain of the genomic region encompassing exons 8-10 of the PALB2 gene. While the exact position of this variant cannot be determined from this data, sub-genic copy number gains are generally in tandem (PMID: 25640679) and may result in an absent or disrupted protein product.

Literature cited by the submitters: PubMed 17200668; PubMed 24136930; PubMed 25099575; PubMed 25640679.

NC_000016.10:g.(?_23621352)_(23624104_?)dup

Gene: PALB2 (partner and localizer of BRCA2; minus strand). Cytogenetic location: 16p12.2.
Variant type: Duplication.
Identifiers: ClinVar variation 831972 (VCV000831972.6).